The following is an entry in ClinVar:

ClinVar aggregate classification (germline): Pathogenic (1 of 4 stars; one submission).

Conditions:
Popliteal pterygium syndrome (PPS). Identifiers: MONDO:0017435, Orphanet 294963, MedGen C0265259.
Van der Woude syndrome. Identifiers: Orphanet 888, MedGen C0175697, MONDO:0019508.
Orofacial cleft 6, susceptibility to (OFC6). Also called: CLEFT LIP WITH OR WITHOUT CLEFT PALATE, NONSYNDROMIC, 6. Identifiers: MedGen C1837213, MONDO:0012141, OMIM 608864.

Submission:

Labcorp Genetics (formerly Invitae), Labcorp
Classification: Pathogenic for Orofacial cleft 6, susceptibility to; Van der Woude syndrome; Popliteal pterygium syndrome. Last evaluated: 2023-05-22. Review status: criteria provided, single submitter. Criteria: Invitae Variant Classification Sherloc (09022015). Collection method: clinical testing. Allele origin: germline.
Comment: This missense change has been observed in individual(s) with clinical features of van der Woude syndrome and/or IRF6-related conditions (PMID: 23154523; Invitae). In at least one individual the variant was observed to be de novo. For these reasons, this variant has been classified as Pathogenic. Advanced modeling of protein sequence and biophysical properties (such as structural, functional, and spatial information, amino acid conservation, physicochemical variation, residue mobility, and thermodynamic stability) performed at Invitae indicates that this missense variant is expected to disrupt IRF6 protein function. ClinVar contains an entry for this variant (Variation ID: 2202932). This variant is not present in population databases (gnomAD no frequency). This sequence change replaces tryptophan, which is neutral and slightly polar, with arginine, which is basic and polar, at codon 79 of the IRF6 protein (p.Trp79Arg).

Literature cited by the submitters: PubMed 23154523.

NM_006147.4(IRF6):c.235T>C (p.Trp79Arg)

Gene: IRF6 (interferon regulatory factor 6; minus strand). Cytogenetic location: 1q32.2.
Variant type: single nucleotide variant.
Coding change: c.235T>C on transcript NM_006147.4 (MANE Select); coding-DNA position 235, T replaced by C.
Protein change: p.Trp79Arg; replaces tryptophan 79 with arginine.
Molecular consequence: missense variant. On other transcripts: 5 prime UTR variant (1).
Genome position (GRCh38, 1-based): chr1:209,796,492, A>G on the plus strand (T>C on the coding strand, the complement: IRF6 is on the minus strand). VCF-style: chr1-209796492-A-G. GRCh37 (hg19) VCF-style: chr1-209969837-A-G.
Other names: c.-51T>C (NM_001206696.2); short protein forms W79R.
Identifiers: ClinVar variation 2202932 (VCV002202932.4), dbSNP rs2464683705, ClinGen allele CA344583427.